The following is an entry in ClinVar:

NM_018993.4(RIN2):c.-28G>A

Gene: RIN2 (Ras and Rab interactor 2; plus strand). Cytogenetic location: 20p11.23.
Variant type: single nucleotide variant.
Coding change: c.-28G>A on transcript NM_018993.4 (MANE Select); 28 bases upstream of the start codon, G replaced by A.
Molecular consequence: 5 prime UTR variant. On other transcripts: synonymous variant (1).
Genome position (GRCh38, 1-based): chr20:19,889,574, G>A. VCF-style: chr20-19889574-G-A. GRCh37 (hg19) VCF-style: chr20-19870218-G-A.
Other names: c.120G>A, p.Pro40= (NM_001242581.2); c.-573G>A (NM_001378238.1).
Identifiers: ClinVar variation 2150436 (VCV002150436.1), dbSNP rs768939781, ClinGen allele CA312907522.

ClinVar aggregate classification (germline): Uncertain significance (1 of 4 stars; one submission).

Allele frequency attached by ClinVar (database versions not stated): gnomAD 0.00002; TOPMed 0.00002.
gnomAD v4.1: 13 of 1,548,574 alleles (0.00084%); highest among the groups gnomAD compares: Admixed American, 0.0059%; no homozygotes.

Submission:

Labcorp Genetics (formerly Invitae), Labcorp
Classification: Uncertain significance. Last evaluated: 2022-05-20. Review status: criteria provided, single submitter. Criteria: Invitae Variant Classification Sherloc (09022015). Collection method: clinical testing. Allele origin: germline.
Comment: The RIN2 gene has multiple clinically relevant transcripts. This variant occurs in alternate transcript NM_001242581.1, and corresponds to NM_018993.3:c.-28G>A in the primary transcript. This sequence change affects codon 40 of the RIN2 mRNA. It is a 'silent' change, meaning that it does not change the encoded amino acid sequence of the RIN2 protein. The frequency data for this variant in the population databases is considered unreliable, as metrics indicate poor data quality at this position in the gnomAD database. This variant has not been reported in the literature in individuals affected with RIN2-related conditions. Experimental studies and prediction algorithms are not available or were not evaluated, and the effect of this variant on mRNA splicing is currently unknown. In summary, the available evidence is currently insufficient to determine the role of this variant in disease. Therefore, it has been classified as a Variant of Uncertain Significance.